The following is an entry in ClinVar:

NM_001943.5(DSG2):c.1651+70T>C

Gene: DSG2 (desmoglein 2; plus strand). Cytogenetic location: 18q12.1.
Variant type: single nucleotide variant.
Coding change: c.1651+70T>C on transcript NM_001943.5 (MANE Select); 70 bases into the intron after coding-DNA position 1651, T replaced by C.
Molecular consequence: intron variant.
Genome position (GRCh38, 1-based): chr18:31,536,499, T>C. VCF-style: chr18-31536499-T-C. GRCh37 (hg19) VCF-style: chr18-29116462-T-C.
Identifiers: ClinVar variation 671091 (VCV000671091.2), dbSNP rs2276150, ClinGen allele CA297741719.

ClinVar aggregate classification (germline): Benign. Review status: criteria provided, multiple submitters, no conflicts (2 of 4 stars). 2 submissions from 2 submitters: Benign (2). Last evaluated 2018-06-15.

Allele frequency attached by ClinVar (database versions not stated): gnomAD exomes 0.10913; 1000 Genomes Project 0.14357; 1000 Genomes Project 30x 0.14897; gnomAD 0.15536 and 0.16060; TOPMed 0.16215.
gnomAD v4.1: 163,146 of 1,426,946 alleles (11%); highest among the groups gnomAD compares: African/African-American, 29%; 10,873 homozygotes.

Submissions (2):

GeneDx
Classification: Benign. Last evaluated: 2018-06-15. Review status: criteria provided, single submitter. Criteria: GeneDx Variant Classification (06012015). Collection method: clinical testing. Allele origin: germline. Affected: yes.
Comment: This variant is considered likely benign or benign based on one or more of the following criteria: it is a conservative change, it occurs at a poorly conserved position in the protein, it is predicted to be benign by multiple in silico algorithms, and/or has population frequency not consistent with disease.

Breakthrough Genomics
Classification: Benign. Review status: criteria provided, single submitter. Criteria: ACMG Guidelines, 2015. Collection method: not provided. Allele origin: germline. Inheritance: Autosomal recessive inheritance. Affected: yes.